The following is an entry in ClinVar:

NM_000784.4(CYP27A1):c.1263+5G>T

Gene: CYP27A1 (cytochrome P450 family 27 subfamily A member 1; plus strand). Cytogenetic location: 2q35.
Variant type: single nucleotide variant.
Coding change: c.1263+5G>T on transcript NM_000784.4 (MANE Select); 5 bases into the intron after coding-DNA position 1263, G replaced by T.
Molecular consequence: intron variant.
Genome position (GRCh38, 1-based): chr2:218,814,463, G>T. VCF-style: chr2-218814463-G-T. GRCh37 (hg19) VCF-style: chr2-219679186-G-T.
Other names: c.1263+5G>T.
Identifiers: ClinVar variation 65841 (VCV000065841.14), dbSNP rs587778784, ClinGen allele CA345175.

ClinVar aggregate classification (germline): Pathogenic. Review status: criteria provided, multiple submitters, no conflicts (2 of 4 stars). 3 submissions from 3 submitters: Pathogenic (2). 1 of the submissions does not count toward it. Last evaluated 2024-02-26.

Conditions:
Cholestanol storage disease (CTX). Also called: CEREBRAL CHOLESTERINOSIS; Cerebrotendinous Xanthomatosis; CTX: Cerebrotendinous xanthomatosis. Identifiers: Orphanet 909, MedGen C0238052, MONDO:0008948, OMIM 213700.

Allele frequency attached by ClinVar (database versions not stated): ExAC 0.00001; gnomAD 0.00001.
gnomAD v4.1: 6 of 1,614,024 alleles (0.00037%); highest among the groups gnomAD compares: Non-Finnish European, 0.00051%; no homozygotes.

Submissions (3):

Natera, Inc.
Classification: Pathogenic for Cerebrotendinous xanthomatosis. Last evaluated: 2024-02-26. Review status: criteria provided, single submitter. Criteria: Natera Variant Classification Schema (03/2026). Collection method: clinical testing. Allele origin: germline.
Comment: The c.1263+5G>T variant in CYP27A1 is an intronic variant located outside the canonical splice sites. This variant is rare in the general population with a frequency below the threshold expected for the associated phenotype(s). This variant has been observed in one or more individuals affected with the associated recessive disease, as either homozygous or compound heterozygous with a second variant (PMID: 11181744, 27225395, 22878431). Given the available evidence, this variant is classified as Pathogenic.

Labcorp Genetics (formerly Invitae), Labcorp
Classification: Pathogenic for Cholestanol storage disease. Last evaluated: 2023-10-14. Review status: criteria provided, single submitter. Criteria: Invitae Variant Classification Sherloc (09022015). Collection method: clinical testing. Allele origin: germline.
Comment: This sequence change falls in intron 7 of the CYP27A1 gene. It does not directly change the encoded amino acid sequence of the CYP27A1 protein. RNA analysis indicates that this variant induces altered splicing and may result in an absent or disrupted protein product. This variant is present in population databases (rs587778784, gnomAD 0.002%). This variant has been observed in individual(s) with cerebrotendinous xanthomatosis (PMID: 9392430, 20402754). In at least one individual the data is consistent with being in trans (on the opposite chromosome) from a pathogenic variant. This variant is also known as "IN 7 G+5>T". ClinVar contains an entry for this variant (Variation ID: 65841). Variants that disrupt the consensus splice site are a relatively common cause of aberrant splicing (PMID: 17576681, 9536098). Studies have shown that this variant results in exon 7 skipping and introduces a premature termination codon (PMID: 9392430). The resulting mRNA is expected to undergo nonsense-mediated decay. For these reasons, this variant has been classified as Pathogenic.

GeneReviews
Classification: Pathogenic for Cerebrotendinous Xanthomatosis. Last evaluated: 2013-08-01. Review status: no assertion criteria provided. Collection method: curation. Allele origin: unknown. Not counted in ClinVar's aggregate classification.
ClinVar note: Converted during submission from pathologic to Pathogenic.

Literature cited by the submitters: PubMed 11181744 (cited by Natera, Inc.); PubMed 27225395 (cited by Natera, Inc.); PubMed 22878431 (cited by Natera, Inc.); PubMed 9392430 (cited by Labcorp Genetics (formerly Invitae), Labcorp); PubMed 20402754 (cited by Labcorp Genetics (formerly Invitae), Labcorp); PubMed 17576681 (cited by Labcorp Genetics (formerly Invitae), Labcorp); PubMed 9536098 (cited by Labcorp Genetics (formerly Invitae), Labcorp).